The following is an entry in ClinVar:

ClinVar aggregate classification (germline): Uncertain significance (1 of 4 stars; one submission).

Submission:

GeneDx
Classification: Uncertain significance. Last evaluated: 2024-03-15. Review status: criteria provided, single submitter. Criteria: GeneDx Variant Classification Process June 2021. Collection method: clinical testing. Allele origin: germline. Affected: yes.
Comment: Not observed at significant frequency in large population cohorts (gnomAD); In silico analysis supports that this missense variant has a deleterious effect on protein structure/function; Has not been previously published as pathogenic or benign to our knowledge

NM_031407.7(HUWE1):c.3775C>T (p.Arg1259Trp)

Genes: HUWE1 (HECT, UBA and WWE domain containing E3 ubiquitin protein ligase 1; minus strand), LOC126863263 (BRD4-independent group 4 enhancer GRCh37_chrX:53619238-53620437; plus strand). Cytogenetic location: Xp11.22.
Variant type: single nucleotide variant.
Coding change: c.3775C>T on transcript NM_031407.7 (MANE Select); coding-DNA position 3775, C replaced by T.
Protein change: p.Arg1259Trp; replaces arginine 1259 with tryptophan.
Molecular consequence: missense variant.
Genome position (GRCh38, 1-based): chrX:53,592,595, G>A on the plus strand (C>T on the coding strand, the complement: HUWE1 is on the minus strand). VCF-style: chrX-53592595-G-A. GRCh37 (hg19) VCF-style: chrX-53619555-G-A.
Other names: short protein forms R1259W.
Identifiers: ClinVar variation 3370648 (VCV003370648.1).
Genomic context (GRCh38, chrX:53,592,595, plus strand): 5'-GGCATAGAATGGCCAGCATCGATTCAGCCATTCGTCCACCATATACCTTCAGGGGTTTCC[G>A]GTTCCATAAGTTTTTGATGCAAGTAAAGGCTGCCTGTAAGTAATTTGAAAAGTGTGTGAA-3'
Protein context (NP_113584.3, residues 1249-1269): AFTCIKNLWN[Arg1259Trp]KPLKVYGGRM